The following is an entry in ClinVar:

NM_001723.7(DST):c.7849G>A (p.Ala2617Thr)

Gene: DST (dystonin; minus strand). Cytogenetic location: 6p12.1.
Variant type: single nucleotide variant.
Coding change: c.7849G>A on transcript NM_001723.7 (MANE Plus Clinical); coding-DNA position 7849, G replaced by A.
Protein change: p.Ala2617Thr; replaces alanine 2617 with threonine.
Molecular consequence: missense variant. On other transcripts: intron variant (10).
Genome position (GRCh38, 1-based): chr6:56,615,618, C>T on the plus strand (G>A on the coding strand, the complement: DST is on the minus strand). VCF-style: chr6-56615618-C-T. GRCh37 (hg19) VCF-style: chr6-56480416-C-T.
Other names: c.4297-1134G>A (NM_001386100.1, NM_183380.4, NM_001374729.1 and 1 more transcripts); c.3319-1134G>A (NM_015548.5); c.4831-1134G>A (NM_001144769.5); c.4930-1134G>A (NM_001374722.1, NM_001374736.1); c.4957-1134G>A (NM_001374734.1); c.4417-1134G>A (NM_001144770.2); short protein forms A2617T.
Identifiers: ClinVar variation 1062614 (VCV001062614.11), dbSNP rs369056574, ClinGen allele CA3869886.

ClinVar aggregate classification (germline): Uncertain significance (1 of 4 stars; one submission).

Conditions:
Hereditary sensory and autonomic neuropathy type 6. Also called: HSAN VI; Neuropathy, hereditary sensory and autonomic, type VI. Identifiers: Orphanet 314381, MedGen C3539003, MONDO:0013839, OMIM 614653.
Epidermolysis bullosa simplex 3, localized or generalized intermediate, with BP230 deficiency (EBS3). Also called: Epidermolysis bullosa simplex due to BP230 deficiency; Epidermolysis bullosa simplex, autosomal recessive 2. Identifiers: Orphanet 412181, MedGen C3809470, MONDO:0014180, OMIM 615425.

Allele frequency attached by ClinVar (database versions not stated): gnomAD exomes below 0.00001; ExAC 0.00001; ESP Exome Variant Server 0.00008.
gnomAD v4.1: 1 of 1,614,092 alleles (0.000062%); highest among the groups gnomAD compares: Non-Finnish European, 0.000085%; no homozygotes.

Submission:

Labcorp Genetics (formerly Invitae), Labcorp
Classification: Uncertain significance for Epidermolysis bullosa simplex 3, localized or generalized intermediate, with BP230 deficiency; Hereditary sensory and autonomic neuropathy type 6. Last evaluated: 2020-03-31. Review status: criteria provided, single submitter. Criteria: Invitae Variant Classification Sherloc (09022015). Collection method: clinical testing. Allele origin: germline.
Comment: In summary, the available evidence is currently insufficient to determine the role of this variant in disease. Therefore, it has been classified as a Variant of Uncertain Significance. Algorithms developed to predict the effect of missense changes on protein structure and function are either unavailable or do not agree on the potential impact of this missense change (SIFT: "Tolerated"; PolyPhen-2: "Probably Damaging"; Align-GVGD: "Class C0"). This variant has not been reported in the literature in individuals with DST-related conditions. This variant is present in population databases (rs369056574, ExAC 0.001%). This sequence change replaces alanine with threonine at codon 2617 of the DST protein (p.Ala2617Thr). The alanine residue is weakly conserved and there is a small physicochemical difference between alanine and threonine.